The following is an entry in ClinVar:

ClinVar aggregate classification (germline): Conflicting classifications of pathogenicity. Review status: criteria provided, conflicting classifications (1 of 4 stars). 2 submissions from 2 submitters: Uncertain significance (1); Benign (1). Last evaluated 2024-03-27.

Conditions:
Familial adenomatous polyposis 1 (FAP1). Also called: POLYPOSIS, ADENOMATOUS INTESTINAL; FAMILIAL ADENOMATOUS POLYPOSIS 1, ATTENUATED. Identifiers: MedGen C2713442, MONDO:0021056, OMIM 175100. Disease mechanism: loss of function.

Submissions (2):

Myriad Genetics, Inc.
Classification: Benign for Familial adenomatous polyposis 1. Last evaluated: 2024-03-27. Review status: criteria provided, single submitter. Criteria: Myriad Autosomal Dominant, Autosomal Recessive and X-Linked Classification Criteria (2023). Collection method: clinical testing. Allele origin: unknown.
Comment: This variant is considered benign. This variant is a silent/synonymous amino acid change and it is not expected to impact splicing.

Quest Diagnostics Nichols Institute San Juan Capistrano
Classification: Uncertain significance. Last evaluated: 2019-01-10. Review status: criteria provided, single submitter. Criteria: Quest Diagnostics criteria. Collection method: clinical testing. Allele origin: germline.

NM_000038.6(APC):c.4563A>G (p.Glu1521=)

Gene: APC (APC regulator of Wnt signaling pathway; plus strand). Cytogenetic location: 5q22.2.
Variant type: single nucleotide variant.
Coding change: c.4563A>G on transcript NM_000038.6 (MANE Select); coding-DNA position 4563, A replaced by G.
Protein change: p.Glu1521=; no amino-acid change (glutamic acid 1521 retained).
Molecular consequence: synonymous variant.
Genome position (GRCh38, 1-based): chr5:112,840,157, A>G. VCF-style: chr5-112840157-A-G. GRCh37 (hg19) VCF-style: chr5-112175854-A-G.
Other names: c.4563A>G, p.Glu1521= (NM_001127510.3, NM_001354895.2); c.4509A>G, p.Glu1503= (NM_001127511.3); c.4617A>G, p.Glu1539= (NM_001354896.2); c.4593A>G, p.Glu1531= (NM_001354897.2); c.4488A>G, p.Glu1496= (NM_001354898.2); c.4479A>G, p.Glu1493= (NM_001354899.2); c.4440A>G, p.Glu1480= (NM_001354900.2); c.4386A>G, p.Glu1462= (NM_001354901.2); and 5 more.
Identifiers: ClinVar variation 801033 (VCV000801033.3), dbSNP rs1580649669, ClinGen allele CA446206588.